The following is an entry in ClinVar:

ClinVar aggregate classification (germline): Uncertain significance (1 of 4 stars; one submission).

Conditions:
Marfan syndrome (MFS). Also called: MARFAN SYNDROME, TYPE I; Marfan syndrome type 1; Marfan's syndrome; Marfan syndrome, classic; FBN1-Related Marfan Syndrome. Identifiers: Orphanet 284963, Orphanet 558, MedGen C0024796, MONDO:0007947, OMIM 154700.
Familial thoracic aortic aneurysm and aortic dissection (TAAD). Also called: Thoracic aortic aneurysms and dissections. Identifiers: Orphanet 91387, MedGen C4707243, MONDO:0019625.

gnomAD v4.1: 1 of 1,610,636 alleles (0.000062%); highest among the groups gnomAD compares: South Asian, 0.0011%; no homozygotes.

Submission:

Labcorp Genetics (formerly Invitae), Labcorp
Classification: Uncertain significance for Marfan syndrome; Familial thoracic aortic aneurysm and aortic dissection. Last evaluated: 2022-08-16. Review status: criteria provided, single submitter. Criteria: Invitae Variant Classification Sherloc (09022015). Collection method: clinical testing. Allele origin: germline.
Comment: ClinVar contains an entry for this variant (Variation ID: 1483735). This variant has not been reported in the literature in individuals affected with FBN1-related conditions. This variant is not present in population databases (gnomAD no frequency). This sequence change replaces arginine, which is basic and polar, with glutamine, which is neutral and polar, at codon 3 of the FBN1 protein (p.Arg3Gln). In summary, the available evidence is currently insufficient to determine the role of this variant in disease. Therefore, it has been classified as a Variant of Uncertain Significance. Advanced modeling of protein sequence and biophysical properties (such as structural, functional, and spatial information, amino acid conservation, physicochemical variation, residue mobility, and thermodynamic stability) performed at Invitae indicates that this missense variant is not expected to disrupt FBN1 protein function.

NM_000138.5(FBN1):c.8G>A (p.Arg3Gln)

Gene: FBN1 (fibrillin 1; minus strand). Cytogenetic location: 15q21.1.
Variant type: single nucleotide variant.
Coding change: c.8G>A on transcript NM_000138.5 (MANE Select); coding-DNA position 8, G replaced by A.
Protein change: p.Arg3Gln; replaces arginine 3 with glutamine.
Molecular consequence: missense variant.
Genome position (GRCh38, 1-based): chr15:48,644,762, C>T on the plus strand (G>A on the coding strand, the complement: FBN1 is on the minus strand). VCF-style: chr15-48644762-C-T. GRCh37 (hg19) VCF-style: chr15-48936959-C-T.
Other names: short protein forms R3Q.
Identifiers: ClinVar variation 1483735 (VCV001483735.8), dbSNP rs149929989, ClinGen allele CA392454032.
Genomic context (GRCh38, chr15:48,644,762, plus strand): 5'-TGGCTCGTGTAGGACGCTAAAAGCACGGTAAATCCCAGGGCGATCTCCAGCAGACGCCCT[C>T]GACGCATGATGCCGAGCCGCCACCGGCTCCCGCCGCCTCTTGCCGCGCCCGGGGCTCGGT-3'
Protein context (NP_000129.3, residues 1-13): MR[Arg3Gln]GRLLEIALGF